The following is an entry in ClinVar:

NM_003482.4(KMT2D):c.12673C>G (p.Leu4225Val)

Gene: KMT2D (lysine methyltransferase 2D; minus strand). Cytogenetic location: 12q13.12.
Variant type: single nucleotide variant.
Coding change: c.12673C>G on transcript NM_003482.4 (MANE Select); coding-DNA position 12673, C replaced by G.
Protein change: p.Leu4225Val; replaces leucine 4225 with valine.
Molecular consequence: missense variant.
Genome position (GRCh38, 1-based): chr12:49,032,032, G>C on the plus strand (C>G on the coding strand, the complement: KMT2D is on the minus strand). VCF-style: chr12-49032032-G-C. GRCh37 (hg19) VCF-style: chr12-49425815-G-C.
Other names: short protein forms L4225V.
Identifiers: ClinVar variation 996978 (VCV000996978.18), dbSNP rs949941431, ClinGen allele CA236639255.

ClinVar aggregate classification (germline): Conflicting classifications of pathogenicity. Review status: criteria provided, conflicting classifications (1 of 4 stars). 3 submissions from 3 submitters: Uncertain significance (2); Likely benign (1). Last evaluated 2025-03-29.

Conditions:
Kabuki syndrome. Also called: NIIKAWA-KUROKI SYNDROME; Kabuki make-up syndrome. Identifiers: Orphanet 2322, MedGen C0796004, MONDO:0016512.
Kabuki syndrome 1 (KABUK1). Also called: KMT2D-Related Kabuki Syndrome. Identifiers: Orphanet 2322, MedGen CN030661, MONDO:0007843, OMIM 147920.

Allele frequency attached by ClinVar (database versions not stated): TOPMed below 0.00001.
gnomAD v4.1: 8 of 1,612,470 alleles (0.0005%); highest among the groups gnomAD compares: Admixed American, 0.0017%; no homozygotes.

Submissions (3):

Labcorp Genetics (formerly Invitae), Labcorp
Classification: Uncertain significance for Kabuki syndrome. Last evaluated: 2025-03-29. Review status: criteria provided, single submitter. Criteria: Invitae Variant Classification Sherloc (09022015). Collection method: clinical testing. Allele origin: germline.
Comment: This sequence change replaces leucine, which is neutral and non-polar, with valine, which is neutral and non-polar, at codon 4225 of the KMT2D protein (p.Leu4225Val). This variant is present in population databases (no rsID available, gnomAD 0.003%). This variant has not been reported in the literature in individuals affected with KMT2D-related conditions. ClinVar contains an entry for this variant (Variation ID: 996978). Invitae Evidence Modeling of protein sequence and biophysical properties (such as structural, functional, and spatial information, amino acid conservation, physicochemical variation, residue mobility, and thermodynamic stability) indicates that this missense variant is not expected to disrupt KMT2D protein function with a negative predictive value of 95%. In summary, the available evidence is currently insufficient to determine the role of this variant in disease. Therefore, it has been classified as a Variant of Uncertain Significance.

CeGaT Center for Human Genetics Tuebingen
Classification: Likely benign. Last evaluated: 2024-12-01. Review status: criteria provided, single submitter. Criteria: CeGaT Center For Human Genetics Tuebingen Variant Classification Criteria Version 2. Collection method: clinical testing. Allele origin: germline. Affected: yes. Observed: 1 variant allele.
Comment: KMT2D: BP4

New York Genome Center
Classification: Uncertain significance for Kabuki syndrome 1. Last evaluated: 2020-07-25. Review status: criteria provided, single submitter. Criteria: NYGC Assertion Criteria 2020. Collection method: clinical testing. Allele origin: germline. Inheritance: Autosomal dominant inheritance. Observed: 1 heterozygote. Study: CSER-NYCKidSeq.
Comment: The c.12673C>G (p.Leu4225Val) variant in exon 40 of 55 of KMT2D has not been reported in any affected individual. This variant is not present in gnomAD, suggesting it is not a common benign variant in the populations represented in this database. In silico predictors suggest this variant is Damaging (SIFT score: 0.004) and Neutral (Provean score:-0.15). Given the current evidences regarding its pathogenicity, the c.12673C>G (p.Leu4225Val) variant identified in the KMT2D gene is a Variant of Uncertain Significance.